The following is an entry in ClinVar:

NM_000051.4(ATM):c.1189A>T (p.Lys397Ter)

Gene: ATM (ATM serine/threonine kinase; plus strand). Cytogenetic location: 11q22.3.
Variant type: single nucleotide variant.
Coding change: c.1189A>T on transcript NM_000051.4 (MANE Select); coding-DNA position 1189, A replaced by T.
Protein change: p.Lys397Ter; replaces lysine 397 with a stop codon.
Molecular consequence: nonsense.
Genome position (GRCh38, 1-based): chr11:108,249,056, A>T. VCF-style: chr11-108249056-A-T. GRCh37 (hg19) VCF-style: chr11-108119783-A-T.
Other names: c.1189A>T, p.Lys397Ter (NM_001351834.2); short protein forms K397*.
Identifiers: ClinVar variation 938750 (VCV000938750.7), dbSNP rs2079999064, ClinGen allele CA382532567.
Genomic context (GRCh38, chr11:108,249,056, plus strand): 5'-TCTAGTGATTACAGTGTCCCTTGCAAAAGGAAGAAAATAGAACTAGGCTGGGAAGTAATA[A>T]AAGATCACCTTCAGAAGTCACAGAATGATTTTGATCTTGTGCCTTGGTAAAGTGTTACCA-3'

ClinVar aggregate classification (germline): Pathogenic (1 of 4 stars; one submission).

Conditions:
Ataxia-telangiectasia syndrome (AT). Also called: Cerebello-oculocutaneous telangiectasia; Immunodeficiency with ataxia telangiectasia; LOUIS-BAR SYNDROME; AT, COMPLEMENTATION GROUP C; ATAXIA-TELANGIECTASIA, COMPLEMENTATION GROUP A; ATAXIA-TELANGIECTASIA, FRESNO VARIANT. Identifiers: Orphanet 100, MedGen C0004135, MONDO:0008840, OMIM 208900.

Submission:

Labcorp Genetics (formerly Invitae), Labcorp
Classification: Pathogenic for Ataxia-telangiectasia syndrome. Last evaluated: 2019-09-02. Review status: criteria provided, single submitter. Criteria: Invitae Variant Classification Sherloc (09022015). Collection method: clinical testing. Allele origin: germline.
Comment: Loss-of-function variants in ATM are known to be pathogenic (PMID: 23807571, 25614872). For these reasons, this variant has been classified as Pathogenic. This variant has not been reported in the literature in individuals with ATM-related conditions. This variant is not present in population databases (ExAC no frequency). This sequence change creates a premature translational stop signal (p.Lys397*) in the ATM gene. It is expected to result in an absent or disrupted protein product.

Literature cited by the submitters: PubMed 23807571; PubMed 25614872.